The following is an entry in ClinVar:

NM_001363711.2(DUOX2):c.2812A>T (p.Thr938Ser)

Gene: DUOX2 (dual oxidase 2; minus strand). Cytogenetic location: 15q21.1.
Variant type: single nucleotide variant.
Coding change: c.2812A>T on transcript NM_001363711.2 (MANE Select); coding-DNA position 2812, A replaced by T.
Protein change: p.Thr938Ser; replaces threonine 938 with serine.
Molecular consequence: missense variant.
Genome position (GRCh38, 1-based): chr15:45,101,832, T>A on the plus strand (A>T on the coding strand, the complement: DUOX2 is on the minus strand). VCF-style: chr15-45101832-T-A. GRCh37 (hg19) VCF-style: chr15-45394030-T-A.
Other names: c.2812A>T, p.Thr938Ser (NM_014080.5); short protein forms T938S.
Identifiers: ClinVar variation 4809493 (VCV004809493.1).

ClinVar aggregate classification (germline): Uncertain significance (1 of 4 stars; one submission).

Submission:

Labcorp Genetics (formerly Invitae), Labcorp
Classification: Uncertain significance. Last evaluated: 2025-03-22. Review status: criteria provided, single submitter. Criteria: Invitae Variant Classification Sherloc (09022015). Collection method: clinical testing. Allele origin: germline.
Comment: This sequence change replaces threonine, which is neutral and polar, with serine, which is neutral and polar, at codon 938 of the DUOX2 protein (p.Thr938Ser). This variant is not present in population databases (gnomAD no frequency). This variant has not been reported in the literature in individuals affected with DUOX2-related conditions. Invitae Evidence Modeling of protein sequence and biophysical properties (such as structural, functional, and spatial information, amino acid conservation, physicochemical variation, residue mobility, and thermodynamic stability) indicates that this missense variant is not expected to disrupt DUOX2 protein function with a negative predictive value of 80%. In summary, the available evidence is currently insufficient to determine the role of this variant in disease. Therefore, it has been classified as a Variant of Uncertain Significance.